The following is an entry in ClinVar:

ClinVar aggregate classification (germline): Uncertain significance (1 of 4 stars; one submission).

gnomAD v4.1: 6 of 1,613,940 alleles (0.00037%); highest among the groups gnomAD compares: Admixed American, 0.005%; no homozygotes.

Submission:

GeneDx
Classification: Uncertain significance. Last evaluated: 2024-10-03. Review status: criteria provided, single submitter. Criteria: GeneDx Variant Classification Process June 2021. Collection method: clinical testing. Allele origin: germline. Affected: yes.
Comment: Not observed at significant frequency in large population cohorts (gnomAD); In silico analysis indicates that this variant does not alter splicing; Has not been previously published as pathogenic or benign to our knowledge

NM_001083614.2(EARS2):c.1221+5G>C

Gene: EARS2 (glutamyl-tRNA synthetase 2, mitochondrial; minus strand). Cytogenetic location: 16p12.2.
Variant type: single nucleotide variant.
Coding change: c.1221+5G>C on transcript NM_001083614.2 (MANE Select); 5 bases into the intron after coding-DNA position 1221, G replaced by C.
Molecular consequence: intron variant.
Genome position (GRCh38, 1-based): chr16:23,529,739, C>G on the plus strand (G>C on the coding strand, the complement: EARS2 is on the minus strand). VCF-style: chr16-23529739-C-G. GRCh37 (hg19) VCF-style: chr16-23541060-C-G.
Other names: c.1221+5G>C (NM_001308211.1).
Identifiers: ClinVar variation 3776585 (VCV003776585.1).
Genomic context (GRCh38, chr16:23,529,739, plus strand): 5'-AAGGCAGGAGGAATTGAGGCACCCAGTAACCCCTCCCTCAGCTTCCCAGAATCCTGACAC[C>G]ACACCTGTCTCAGCAGGAGGATCCTCTCCACGTAGACTGGGTTGAGGACATCCCTGTTTT-3'